The following is an entry in ClinVar:

NM_001206927.2(DNAH8):c.8041_8042del (p.Val2681fs)

Gene: DNAH8 (dynein axonemal heavy chain 8; plus strand). Cytogenetic location: 6p21.2.
Variant type: Deletion.
Coding change: c.8041_8042del on transcript NM_001206927.2 (MANE Select); coding-DNA positions 8041 to 8042, 2 bases deleted (GT; older notation c.8041_8042delGT).
Protein change: p.Val2681fs; shifts the reading frame from valine 2681.
Molecular consequence: frameshift variant.
Genome position (GRCh38, 1-based): chr6:38,883,361-38,883,362, GT deleted; deleting any 2 consecutive bases within chr6:38,883,360-38,883,362 gives the same sequence; the c. name uses the placement nearest the transcript's 3' end. VCF-style (leftmost placement, unchanged base first): chr6-38883359-CTG-C. GRCh37 (hg19) VCF-style: chr6-38851135-CTG-C.
Other names: c.7390_7391del, p.Val2464fs (NM_001371.4); short protein forms V2464fs, V2681fs.
Identifiers: ClinVar variation 3667407 (VCV003667407.2).
Genomic context (GRCh38, chr6:38,883,359, plus strand): 5'-ACACTATTATCCTATGATTGCAGGCTGTTTTGCTCACAGGAGAGCAGGGAACTGCAAAAA[CTG>C]TCATGGTTAAGGCCTATTTGAAAAAATATGATCCTGAAGTACAGCTATCCAAAAGTCTAA-3'

ClinVar aggregate classification (germline): Pathogenic (1 of 4 stars; one submission).

Conditions:
Primary ciliary dyskinesia. Also called: Ciliary dyskinesia. Identifiers: Orphanet 244, MedGen C0008780, MONDO:0016575, HP:0012265.

Submission:

Labcorp Genetics (formerly Invitae), Labcorp
Classification: Pathogenic for Primary ciliary dyskinesia. Last evaluated: 2025-06-11. Review status: criteria provided, single submitter. Criteria: Invitae Variant Classification Sherloc (09022015). Collection method: clinical testing. Allele origin: germline.
Comment: This sequence change creates a premature translational stop signal (p.Val2681Hisfs*3) in the DNAH8 gene. It is expected to result in an absent or disrupted protein product. Loss-of-function variants in DNAH8 are known to be pathogenic (PMID: 24307375, 32619401, 32681648). This variant is present in population databases (no rsID available, gnomAD 0.003%). This variant has not been reported in the literature in individuals affected with DNAH8-related conditions. ClinVar contains an entry for this variant (Variation ID: 3667407). For these reasons, this variant has been classified as Pathogenic.

Literature cited by the submitters: PubMed 24307375; PubMed 32619401; PubMed 32681648.